The following is an entry in ClinVar:

NM_000492.4(CFTR):c.2755del (p.Tyr919fs)

Gene: CFTR (CF transmembrane conductance regulator; plus strand). Cytogenetic location: 7q31.2.
Variant type: Deletion.
Coding change: c.2755del on transcript NM_000492.4 (MANE Select); coding-DNA position 2755, one base deleted (T; older notation c.2755delT).
Protein change: p.Tyr919fs; shifts the reading frame from tyrosine 919.
Molecular consequence: frameshift variant.
Genome position (GRCh38, 1-based): chr7:117,603,629, T deleted; the last of 3 consecutive T bases (chr7:117,603,627-117,603,629); deleting any one gives the same sequence. VCF-style (leftmost placement, unchanged base first): chr7-117603626-AT-A. GRCh37 (hg19) VCF-style: chr7-117243680-AT-A.
Other names: short protein forms Y919fs.
Identifiers: ClinVar variation 2680723 (VCV002680723.4), dbSNP rs2485121970, ClinGen allele CA2695199620.

ClinVar aggregate classification (germline): Pathogenic/Likely pathogenic. Review status: criteria provided, multiple submitters, no conflicts (2 of 4 stars). 2 submissions from 2 submitters: Pathogenic (1); Likely pathogenic (1). Last evaluated 2024-01-02.

Conditions:
Bronchiectasis with or without elevated sweat chloride 1 (BESC1). Also called: Cystic Fibrosis-Like Syndrome. Identifiers: Orphanet 60033, MedGen C2749757, MONDO:0008887, OMIM 211400.
Cystic fibrosis (CF). Also called: MUCOVISCIDOSIS. Identifiers: Orphanet 586, MedGen C0010674, MONDO:0009061, OMIM 219700. Disease mechanism: loss of function.

Submissions (2):

Labcorp Genetics (formerly Invitae), Labcorp
Classification: Pathogenic for Cystic fibrosis. Last evaluated: 2024-01-02. Review status: criteria provided, single submitter. Criteria: Invitae Variant Classification Sherloc (09022015). Collection method: clinical testing. Allele origin: germline.
Comment: This sequence change creates a premature translational stop signal (p.Tyr919Thrfs*4) in the CFTR gene. It is expected to result in an absent or disrupted protein product. Loss-of-function variants in CFTR are known to be pathogenic (PMID: 1695717, 7691345, 9725922). This variant is not present in population databases (gnomAD no frequency). This variant has not been reported in the literature in individuals affected with CFTR-related conditions. For these reasons, this variant has been classified as Pathogenic.

Baylor Genetics
Classification: Likely pathogenic for Bronchiectasis with or without elevated sweat chloride 1. Last evaluated: 2022-06-07. Review status: criteria provided, single submitter. Criteria: ACMG Guidelines, 2015. Collection method: clinical testing. Allele origin: unknown.

Literature cited by the submitters: PubMed 1695717 (cited by Labcorp Genetics (formerly Invitae), Labcorp); PubMed 7691345 (cited by Labcorp Genetics (formerly Invitae), Labcorp); PubMed 9725922 (cited by Labcorp Genetics (formerly Invitae), Labcorp).